The following is an entry in ClinVar:

ClinVar aggregate classification (germline): Uncertain significance (1 of 4 stars; one submission).

Submission:

Labcorp Genetics (formerly Invitae), Labcorp
Classification: Uncertain significance. Last evaluated: 2025-11-23. Review status: criteria provided, single submitter. Criteria: Invitae Variant Classification Sherloc (09022015). Collection method: clinical testing. Allele origin: germline.
Comment: This sequence change replaces proline, which is neutral and non-polar, with serine, which is neutral and polar, at codon 815 of the FN1 protein (p.Pro815Ser). Information on the frequency of this variant in the gnomAD database is not available, as this variant may be reported differently in the database. This variant has not been reported in the literature in individuals affected with FN1-related conditions. ClinVar contains an entry for this variant (Variation ID: 1918604). Experimental studies and prediction algorithms are not available or were not evaluated, and the functional significance of this variant is currently unknown. In summary, the available evidence is currently insufficient to determine the role of this variant in disease. Therefore, it has been classified as a Variant of Uncertain Significance.

NM_212482.4(FN1):c.2442_2443delinsAT (p.Pro815Ser)

Gene: FN1 (fibronectin 1; minus strand). Cytogenetic location: 2q35.
Variant type: Indel.
Coding change: c.2442_2443delinsAT on transcript NM_212482.4 (MANE Select); coding-DNA positions 2442 to 2443, TC replaced by AT.
Protein change: p.Pro815Ser; replaces proline 815 with serine.
Molecular consequence: missense variant.
Genome position (GRCh38, 1-based): chr2:215,408,183-215,408,184, GA replaced by AT on the plus strand (TC replaced by AT on the coding strand, the reverse complement: FN1 is on the minus strand). VCF-style: chr2-215408183-GA-AT. GRCh37 (hg19) VCF-style: chr2-216272906-GA-AT.
Other names: c.2442_2443delinsAT, p.Pro815Ser (NM_001306129.2, NM_001306130.2, NM_001306131.2 and 13 more transcripts); short protein forms P815S.
Identifiers: ClinVar variation 1918604 (VCV001918604.5), dbSNP rs2470078779, ClinGen allele CA2580065653.